The following is an entry in ClinVar:

NM_001458.5(FLNC):c.8051del (p.Val2684fs)

Genes: FLNC-AS1 (FLNC antisense RNA 1; minus strand), FLNC (filamin C; plus strand). Cytogenetic location: 7q32.1.
Variant type: Deletion.
Coding change: c.8051del on transcript NM_001458.5 (MANE Select); coding-DNA position 8051, one base deleted (T; older notation c.8051delT).
Protein change: p.Val2684fs; shifts the reading frame from valine 2684.
Molecular consequence: frameshift variant.
Genome position (GRCh38, 1-based): chr7:128,858,396, T deleted. VCF-style (leftmost placement, unchanged base first): chr7-128858395-GT-G. GRCh37 (hg19) VCF-style: chr7-128498449-GT-G.
Other names: c.7952del, p.Val2651fs (NM_001127487.2); short protein forms V2651fs, V2684fs.
Identifiers: ClinVar variation 1452694 (VCV001452694.6), dbSNP rs1809161384, ClinGen allele CA1742552215.

ClinVar aggregate classification (germline): Pathogenic (1 of 4 stars; one submission).

Conditions:
Distal myopathy with posterior leg and anterior hand involvement. Also called: WILLIAMS DISTAL MYOPATHY. Identifiers: Orphanet 63273, MedGen C3279722, MONDO:0013550, OMIM 614065.
Hypertrophic cardiomyopathy 26. Also called: Cardiomyopathy, familial hypertrophic, 26. Identifiers: Orphanet 75249, MedGen C4310749, MONDO:0014883, OMIM 617047.
Myofibrillar myopathy 5. Also called: FILAMINOPATHY, AUTOSOMAL DOMINANT; Filaminopathy (type). Identifiers: Orphanet 171445, MedGen C1836050, MONDO:0012289, OMIM 609524.

Allele frequency attached by ClinVar (database versions not stated): TOPMed below 0.00001.

Submission:

Labcorp Genetics (formerly Invitae), Labcorp
Classification: Pathogenic for Distal myopathy with posterior leg and anterior hand involvement; Myofibrillar myopathy 5; Hypertrophic cardiomyopathy 26. Last evaluated: 2025-07-01. Review status: criteria provided, single submitter. Criteria: Invitae Variant Classification Sherloc (09022015). Collection method: clinical testing. Allele origin: germline.
Comment: This sequence change is expected to alter the c-terminus of the FLNC protein (p.Val2684Glyfs*88). While this is not anticipated to result in nonsense mediated decay, it is expected to disrupt the last 42 amino acid(s) of the FLNC protein and extend the protein by 45 additional amino acid residues. This variant is not present in population databases (gnomAD no frequency). This variant has not been reported in the literature in individuals affected with FLNC-related conditions. ClinVar contains an entry for this variant (Variation ID: 1452694). This variant disrupts a region of the FLNC protein in which other variant(s) (p.Trp2710*) have been determined to be pathogenic (PMID: 15929027, 22961544, 26472074, 26969713). This suggests that this is a clinically significant region of the protein, and that variants that disrupt it are likely to be disease-causing. For these reasons, this variant has been classified as Pathogenic.

Literature cited by the submitters: PubMed 15929027; PubMed 22961544; PubMed 26472074; PubMed 26969713.